The following is an entry in ClinVar:

ClinVar aggregate classification (germline): Uncertain significance (0 of 4 stars; one submission).

Conditions:
HERC2-related disorder. Also called: HERC2-related condition.

Submission:

PreventionGenetics, part of Exact Sciences
Classification: Uncertain significance for HERC2-related condition. Last evaluated: 2023-10-23. Review status: no assertion criteria provided. Collection method: clinical testing. Allele origin: germline.
Comment: The HERC2 c.646G>T variant is predicted to result in premature protein termination (p.Glu216*). To our knowledge, this variant has not been reported in the literature or in a large population database, indicating this variant is rare. Although we suspect that this variant may be pathogenic, at this time, the clinical significance of this variant is uncertain due to the absence of conclusive functional and genetic evidence.

NM_004667.6(HERC2):c.646G>T (p.Glu216Ter)

Gene: HERC2 (HECT and RLD domain containing E3 ubiquitin protein ligase 2; minus strand). Cytogenetic location: 15q13.1.
Variant type: single nucleotide variant.
Coding change: c.646G>T on transcript NM_004667.6 (MANE Select); coding-DNA position 646, G replaced by T.
Protein change: p.Glu216Ter; replaces glutamic acid 216 with a stop codon.
Molecular consequence: nonsense.
Genome position (GRCh38, 1-based): chr15:28,274,445, C>A on the plus strand (G>T on the coding strand, the complement: HERC2 is on the minus strand). VCF-style: chr15-28274445-C-A. GRCh37 (hg19) VCF-style: chr15-28519591-C-A.
Other names: short protein forms E216*.
Identifiers: ClinVar variation 3046647 (VCV003046647.2), dbSNP rs2549358566, ClinGen allele CA391406445.